The following is an entry in ClinVar:

NM_018699.4(PRDM5):c.1283-123A>G

Gene: PRDM5 (PR/SET domain 5; minus strand). Cytogenetic location: 4q27.
Variant type: single nucleotide variant.
Coding change: c.1283-123A>G on transcript NM_018699.4 (MANE Select); 123 bases into the intron before coding-DNA position 1283, A replaced by G.
Molecular consequence: intron variant.
Genome position (GRCh38, 1-based): chr4:120,781,426, T>C on the plus strand (A>G on the coding strand, the complement: PRDM5 is on the minus strand). VCF-style: chr4-120781426-T-C. GRCh37 (hg19) VCF-style: chr4-121702581-T-C.
Other names: c.1190-123A>G (NM_001300824.2, NM_001379106.1, NM_001300823.2); c.1316-123A>G (NM_001379104.1).
Identifiers: ClinVar variation 679623 (VCV000679623.1), dbSNP rs114852145, ClinGen allele CA105117615.

ClinVar aggregate classification (germline): Likely benign (1 of 4 stars; one submission).

Allele frequency attached by ClinVar (database versions not stated): gnomAD exomes 0.00161; gnomAD 0.01541 and 0.01663; 1000 Genomes Project 0.01597; TOPMed 0.01722; 1000 Genomes Project 30x 0.01780.
gnomAD v4.1: 3,531 of 862,450 alleles (0.41%); highest among the groups gnomAD compares: African/African-American, 5.2%; 86 homozygotes.

Submission:

GeneDx
Classification: Likely benign. Last evaluated: 2018-06-19. Review status: criteria provided, single submitter. Criteria: GeneDx Variant Classification (06012015). Collection method: clinical testing. Allele origin: germline. Affected: yes.
Comment: This variant is considered likely benign or benign based on one or more of the following criteria: it is a conservative change, it occurs at a poorly conserved position in the protein, it is predicted to be benign by multiple in silico algorithms, and/or has population frequency not consistent with disease.